The following is an entry in ClinVar:

NM_000038.6(APC):c.646-2481T>A

Gene: APC (APC regulator of WNT signaling pathway; plus strand). Cytogenetic location: 5q22.2.
Variant type: single nucleotide variant.
Coding change: c.646-2481T>A on transcript NM_000038.6 (MANE Select); 2481 bases into the intron before coding-DNA position 646, T replaced by A.
Molecular consequence: intron variant.
Genome position (GRCh38, 1-based): chr5:112,789,965, T>A. VCF-style: chr5-112789965-T-A. GRCh37 (hg19) VCF-style: chr5-112125662-T-A.
Other names: c.646-2481T>A (NM_001354895.2, NM_001127510.3, NM_001354896.2 and 1 more transcripts); c.676-2481T>A (NM_001354897.2, NM_001354902.2); c.675+9062T>A (NM_001127511.3); c.571-2481T>A (NM_001354898.2, NM_001354904.2); c.-390-2481T>A (NM_001354906.2); c.645+9062T>A (NM_001354899.2); c.469-2481T>A (NM_001354900.2, NM_001354901.2, NM_001354905.2).
Identifiers: ClinVar variation 82988 (VCV000082988.2), dbSNP rs77271824, ClinGen allele CA011751.

ClinVar aggregate classification (germline): other (0 of 4 stars; one submission).

Conditions:
Familial colorectal cancer. Identifiers: MedGen CN280943, MONDO:0023113. Disease mechanism: loss of function.

Submission:

Systems Biology Platform Zhejiang California International NanoSystems Institute
Classification: other for Familial colorectal cancer. Review status: no assertion criteria provided. Collection method: not provided. Allele origin: unknown.
ClinVar note: Converted during submission from cancer to other.